The following is an entry in ClinVar:

NM_000321.3(RB1):c.1524del (p.Gly509fs)

Gene: RB1 (RB transcriptional corepressor 1; plus strand). Cytogenetic location: 13q14.2.
Variant type: Deletion.
Coding change: c.1524del on transcript NM_000321.3 (MANE Select); coding-DNA position 1524, one base deleted (T; older notation c.1524delT).
Protein change: p.Gly509fs; shifts the reading frame from glycine 509.
Molecular consequence: frameshift variant.
Genome position (GRCh38, 1-based): chr13:48,381,272, T deleted. VCF-style (leftmost placement, unchanged base first): chr13-48381271-CT-C. GRCh37 (hg19) VCF-style: chr13-48955407-CT-C.
Other names: c.1524del, p.Gly509fs (NM_001407165.1, NM_001407166.1); short protein forms G509fs.
Identifiers: ClinVar variation 2698509 (VCV002698509.3), dbSNP rs2542206515, ClinGen allele CA2697551854.

ClinVar aggregate classification (germline): Pathogenic (1 of 4 stars; one submission).

Conditions:
Retinoblastoma (RB1). Also called: RETINOBLASTOMA, SOMATIC. Identifiers: Orphanet 790, MedGen C0035335, MeSH D012175, MONDO:0008380, OMIM 180200, HP:0009919. Disease mechanism: loss of function. Inheritance: Both sporadic and heritable forms are tested..

Submission:

Labcorp Genetics (formerly Invitae), Labcorp
Classification: Pathogenic for Retinoblastoma. Last evaluated: 2024-05-02. Review status: criteria provided, single submitter. Criteria: Invitae Variant Classification Sherloc (09022015). Collection method: clinical testing. Allele origin: germline.
Comment: This sequence change creates a premature translational stop signal (p.Gly509Glufs*10) in the RB1 gene. It is expected to result in an absent or disrupted protein product. Loss-of-function variants in RB1 are known to be pathogenic (PMID: 17096365). This variant is not present in population databases (gnomAD no frequency). This variant has not been reported in the literature in individuals affected with RB1-related conditions. For these reasons, this variant has been classified as Pathogenic.

Literature cited by the submitters: PubMed 17096365.